The following is an entry in ClinVar:

ClinVar aggregate classification (germline): Uncertain significance (1 of 4 stars; one submission).

Conditions:
Norman-Roberts syndrome (LIS2). Also called: Lissencephaly 2 (Norman-Roberts type). Identifiers: Orphanet 89844, MedGen C0796089, MONDO:0009760, OMIM 257320.
Familial temporal lobe epilepsy 7. Identifiers: Orphanet 101046, MedGen C4225327, MONDO:0014639, OMIM 616436.

Submission:

Labcorp Genetics (formerly Invitae), Labcorp
Classification: Uncertain significance for Familial temporal lobe epilepsy 7; Norman-Roberts syndrome. Last evaluated: 2020-03-14. Review status: criteria provided, single submitter. Criteria: Invitae Variant Classification Sherloc (09022015). Collection method: clinical testing. Allele origin: germline.
Comment: In summary, the available evidence is currently insufficient to determine the role of this variant in disease. Therefore, it has been classified as a Variant of Uncertain Significance. Algorithms developed to predict the effect of missense changes on protein structure and function are either unavailable or do not agree on the potential impact of this missense change (SIFT: "Deleterious"; PolyPhen-2: "Probably Damaging"; Align-GVGD: "Class C0"). This variant has not been reported in the literature in individuals with RELN-related conditions. This variant is not present in population databases (ExAC no frequency). This sequence change replaces glutamic acid with glycine at codon 2720 of the RELN protein (p.Glu2720Gly). The glutamic acid residue is moderately conserved and there is a moderate physicochemical difference between glutamic acid and glycine.

NM_005045.4(RELN):c.8159A>G (p.Glu2720Gly)

Genes: RELN (reelin; minus strand), SLC26A5-AS1 (SLC26A5 antisense RNA 1; plus strand). Cytogenetic location: 7q22.1.
Variant type: single nucleotide variant.
Coding change: c.8159A>G on transcript NM_005045.4 (MANE Select); coding-DNA position 8159, A replaced by G.
Protein change: p.Glu2720Gly; replaces glutamic acid 2720 with glycine.
Molecular consequence: missense variant.
Genome position (GRCh38, 1-based): chr7:103,510,966, T>C on the plus strand (A>G on the coding strand, the complement: RELN is on the minus strand). VCF-style: chr7-103510966-T-C. GRCh37 (hg19) VCF-style: chr7-103151413-T-C.
Other names: c.8159A>G, p.Glu2720Gly (NM_173054.3); short protein forms E2720G.
Identifiers: ClinVar variation 999089 (VCV000999089.8), dbSNP rs1829390259, ClinGen allele CA368761741.